The following is an entry in ClinVar:

NM_000368.5(TSC1):c.3432C>G (p.Thr1144=)

Gene: TSC1 (TSC complex subunit 1; minus strand). Cytogenetic location: 9q34.13.
Variant type: single nucleotide variant.
Coding change: c.3432C>G on transcript NM_000368.5 (MANE Select); coding-DNA position 3432, C replaced by G.
Protein change: p.Thr1144=; no amino-acid change (threonine 1144 retained).
Molecular consequence: synonymous variant.
Genome position (GRCh38, 1-based): chr9:132,896,298, G>C on the plus strand (C>G on the coding strand, the complement: TSC1 is on the minus strand). VCF-style: chr9-132896298-G-C. GRCh37 (hg19) VCF-style: chr9-135771685-G-C.
Other names: c.3429C>G, p.Thr1143= (NM_001162426.2); c.3279C>G, p.Thr1093= (NM_001162427.2); c.3069C>G, p.Thr1023= (NM_001362177.2).
Identifiers: ClinVar variation 719328 (VCV000719328.14), dbSNP rs1588285980, ClinGen allele CA467812878.

ClinVar aggregate classification (germline): Benign/Likely benign. Review status: criteria provided, multiple submitters, no conflicts (2 of 4 stars). 5 submissions from 5 submitters: Benign (1); Likely benign (4). Last evaluated 2025-08-07.

Conditions:
Tuberous sclerosis syndrome (TSC). Also called: Tuberous Sclerosis Complex; Tuberous sclerosis. Identifiers: Orphanet 805, MedGen C0041341, MONDO:0001734.
Hereditary cancer-predisposing syndrome. Also called: Hereditary neoplastic syndrome; Neoplastic Syndromes, Hereditary; Tumor predisposition; Hereditary Cancer Syndrome. Identifiers: Orphanet 140162, MedGen C0027672, MeSH D009386, MONDO:0015356.
Tuberous sclerosis 1 (TSC1). Identifiers: Orphanet 805, MedGen C1854465, MONDO:0008612, OMIM 191100.

gnomAD v4.1: 1 of 1,614,184 alleles (0.000062%); no homozygotes.

Submissions (5):

Labcorp Genetics (formerly Invitae), Labcorp
Classification: Likely benign for Tuberous sclerosis 1. Last evaluated: 2025-08-07. Review status: criteria provided, single submitter. Criteria: Invitae Variant Classification Sherloc (09022015). Collection method: clinical testing. Allele origin: germline.

Myriad Genetics, Inc.
Classification: Benign for Tuberous sclerosis 1. Last evaluated: 2025-04-30. Review status: criteria provided, single submitter. Criteria: Myriad Autosomal Dominant, Autosomal Recessive and X-Linked Classification Criteria (2023). Collection method: clinical testing. Allele origin: unknown.
Comment: This variant is considered benign. This variant is a silent/synonymous amino acid change and it is not expected to impact splicing.

Ambry Genetics
Classification: Likely benign for Hereditary cancer-predisposing syndrome. Last evaluated: 2023-10-09. Review status: criteria provided, single submitter. Criteria: Ambry Variant Classification Scheme 2023. Collection method: clinical testing. Allele origin: germline.

All of Us Research Program, National Institutes of Health
Classification: Likely benign for Tuberous sclerosis syndrome. Last evaluated: 2023-05-16. Review status: criteria provided, single submitter. Criteria: ACMG Guidelines, 2015. Collection method: clinical testing. Allele origin: germline. Inheritance: Autosomal dominant inheritance. Observed: 1 variant allele, 1 heterozygote.
Comment: This study involves interpretation of variants in research participants for the purpose of population health screening. Participant phenotype was not available at the time of variant classification. Additional details can be found in publication PMID: 35346344, PMCID: PMC8962531

Color Diagnostics, LLC DBA Color Health
Classification: Likely benign for Tuberous sclerosis syndrome. Last evaluated: 2022-11-06. Review status: criteria provided, single submitter. Criteria: ACMG Guidelines, 2015. Collection method: clinical testing. Allele origin: germline.